The following is an entry in ClinVar:

NR_023317.1(RNU7-1):n.62C>T

Genes: C12orf57 (chromosome 12 open reading frame 57; plus strand), RNU7-1 (RNA, U7 small nuclear 1; plus strand). Cytogenetic location: 12p13.31.
Variant type: single nucleotide variant.
Molecular consequence: non-coding transcript variant (on NR_023317.1). On other transcripts: intron variant (2).
Genome position: GRCh38 VCF-style: chr12-6943877-C-T. GRCh37 (hg19) VCF-style: chr12-7053040-C-T.
Other names: c.13+215C>T (NM_001301836.2); c.-16+215C>T (NM_001301834.1).
Identifiers: ClinVar variation 3389314 (VCV003389314.15).

ClinVar aggregate classification (germline): Benign/Likely benign. Review status: criteria provided, multiple submitters, no conflicts (2 of 4 stars). 2 submissions from 2 submitters: Benign (1); Likely benign (1). Last evaluated 2026-04-01.

gnomAD v4.1: 2,423 of 995,006 alleles (0.24%); highest among the groups gnomAD compares: Non-Finnish European, 0.29%; 8 homozygotes.

Submissions (2):

Women's Health and Genetics/Laboratory Corporation of America, LabCorp
Classification: Benign. Last evaluated: 2026-04-01. Review status: criteria provided, single submitter. Criteria: LabCorp Variant Classification Summary - May 2015. Collection method: clinical testing. Allele origin: germline.
Comment: Variant summary: RNU7-1 n.62C>T alters a nucleotide in the non-coding RNA. The variant allele was found at a frequency of 0.0024 in 995006 control chromosomes, predominantly at a frequency of 0.0029 within the Non-Finnish European subpopulation in the gnomAD database, including 5 homozygotes. The observed variant frequency within Non-Finnish European control individuals in the gnomAD database exceeds the estimated maximal expected allele frequency for disease-causing variants in RNU7-1. To our knowledge, no occurrence of n.62C>T in individuals affected with RNU7-1-related conditions and no experimental evidence demonstrating its impact on protein function have been reported. ClinVar contains an entry for this variant (Variation ID: 3389314). Based on the evidence outlined above, the variant was classified as benign.

CeGaT Center for Human Genetics Tuebingen
Classification: Likely benign. Last evaluated: 2025-09-01. Review status: criteria provided, single submitter. Criteria: CeGaT Center For Human Genetics Tuebingen Variant Classification Criteria Version 2. Collection method: clinical testing. Allele origin: germline. Affected: yes. Observed: 4 variant alleles.
Comment: RNU7-1: BS2